The following is an entry in ClinVar:

ClinVar aggregate classification (germline): Likely benign (1 of 4 stars; one submission).

Submission:

GeneDx
Classification: Likely benign. Last evaluated: 2018-02-06. Review status: criteria provided, single submitter. Criteria: GeneDx Variant Classification (06012015). Collection method: clinical testing. Allele origin: germline. Affected: yes.
Comment: This variant is considered likely benign or benign based on one or more of the following criteria: it is a conservative change, it occurs at a poorly conserved position in the protein, it is predicted to be benign by multiple in silico algorithms, and/or has population frequency not consistent with disease.

NM_001267550.2(TTN):c.7845T>G (p.Leu2615=)

Gene: TTN (titin; minus strand). Cytogenetic location: 2q31.2.
Variant type: single nucleotide variant.
Coding change: c.7845T>G on transcript NM_001267550.2 (MANE Select); coding-DNA position 7845, T replaced by G.
Protein change: p.Leu2615=; no amino-acid change (leucine 2615 retained).
Molecular consequence: synonymous variant.
Genome position (GRCh38, 1-based): chr2:178,773,119, A>C on the plus strand (T>G on the coding strand, the complement: TTN is on the minus strand). VCF-style: chr2-178773119-A-C. GRCh37 (hg19) VCF-style: chr2-179637846-A-C.
Other names: c.7845T>G, p.Leu2615= (NM_001256850.1, NM_133378.4, NM_133379.5); c.7707T>G, p.Leu2569= (NM_003319.4, NM_133432.3, NM_133437.4).
Identifiers: ClinVar variation 515439 (VCV000515439.1), dbSNP rs1315019167, ClinGen allele CA430299519.